The following is an entry in ClinVar:

NM_133497.4(KCNV2):c.241G>A (p.Val81Ile)

Gene: KCNV2 (potassium voltage-gated channel modifier subfamily V member 2; plus strand). Cytogenetic location: 9p24.2.
Variant type: single nucleotide variant.
Coding change: c.241G>A on transcript NM_133497.4 (MANE Select); coding-DNA position 241, G replaced by A.
Protein change: p.Val81Ile; replaces valine 81 with isoleucine.
Molecular consequence: missense variant.
Genome position (GRCh38, 1-based): chr9:2,717,980, G>A. VCF-style: chr9-2717980-G-A. GRCh37 (hg19) VCF-style: chr9-2717980-G-A.
Other names: c.241G>A (NM_133497.3); short protein forms V81I.
Identifiers: ClinVar variation 1051632 (VCV001051632.7), dbSNP rs778654754, ClinGen allele CA4965380.

ClinVar aggregate classification (germline): Uncertain significance. Review status: criteria provided, multiple submitters, no conflicts (2 of 4 stars). 2 submissions from 2 submitters: Uncertain significance (2). Last evaluated 2025-06-10.

Conditions:
Inborn genetic diseases. Identifiers: MedGen C0950123, MeSH D030342.

Submissions (2):

Ambry Genetics
Classification: Uncertain significance for Inborn genetic diseases. Last evaluated: 2025-06-10. Review status: criteria provided, single submitter. Criteria: Ambry Variant Classification Scheme 2023. Collection method: clinical testing. Allele origin: germline.

Labcorp Genetics (formerly Invitae), Labcorp
Classification: Uncertain significance. Last evaluated: 2021-08-31. Review status: criteria provided, single submitter. Criteria: Invitae Variant Classification Sherloc (09022015). Collection method: clinical testing. Allele origin: germline.
Comment: This sequence change replaces valine with isoleucine at codon 81 of the KCNV2 protein (p.Val81Ile). The valine residue is weakly conserved and there is a small physicochemical difference between valine and isoleucine. This variant is present in population databases (rs778654754, ExAC 0.009%). This variant has not been reported in the literature in individuals affected with KCNV2-related conditions. Advanced modeling of protein sequence and biophysical properties (such as structural, functional, and spatial information, amino acid conservation, physicochemical variation, residue mobility, and thermodynamic stability) performed at Invitae indicates that this missense variant is not expected to disrupt KCNV2 protein function. In summary, the available evidence is currently insufficient to determine the role of this variant in disease. Therefore, it has been classified as a Variant of Uncertain Significance.